The following is an entry in ClinVar:

NM_198576.4(AGRN):c.464-617C>T

Gene: AGRN (agrin; plus strand). Cytogenetic location: 1p36.33.
Variant type: single nucleotide variant.
Coding change: c.464-617C>T on transcript NM_198576.4 (MANE Select); 617 bases into the intron before coding-DNA position 464, C replaced by T.
Molecular consequence: intron variant. On other transcripts: synonymous variant (1).
Genome position (GRCh38, 1-based): chr1:1,034,660, C>T. VCF-style: chr1-1034660-C-T. GRCh37 (hg19) VCF-style: chr1-970040-C-T.
Other names: c.105C>T, p.Ala35= (NM_001364727.2); c.464-617C>T (NM_001305275.2).
Identifiers: ClinVar variation 3035380 (VCV003035380.2), dbSNP rs557744455, ClinGen allele CA16744801.

ClinVar aggregate classification (germline): Likely benign (0 of 4 stars; one submission).

Conditions:
AGRN-related disorder. Also called: AGRN-related condition.

Allele frequency attached by ClinVar (database versions not stated): gnomAD exomes 0.00015; 1000 Genomes Project 0.00080; 1000 Genomes Project 30x 0.00109; gnomAD 0.00183; TOPMed 0.00212.

Submission:

PreventionGenetics, part of Exact Sciences
Classification: Likely benign for AGRN-related condition. Last evaluated: 2022-10-21. Review status: no assertion criteria provided. Collection method: clinical testing. Allele origin: germline.
Comment: This variant is classified as likely benign based on ACMG/AMP sequence variant interpretation guidelines (Richards et al. 2015 PMID: 25741868, with internal and published modifications).